The following is an entry in ClinVar:

ClinVar aggregate classification (germline): Uncertain significance. Review status: criteria provided, multiple submitters, no conflicts (2 of 4 stars). 2 submissions from 2 submitters: Uncertain significance (2). Last evaluated 2024-08-20.

Allele frequency attached by ClinVar (database versions not stated): gnomAD 0.00001; gnomAD exomes 0.00001; TOPMed 0.00001; ExAC 0.00002.
gnomAD v4.1: 9 of 1,614,010 alleles (0.00056%); highest among the groups gnomAD compares: African/African-American, 0.0027%; no homozygotes.

Submissions (2):

Ambry Genetics
Classification: Uncertain significance. Last evaluated: 2024-08-20. Review status: criteria provided, single submitter. Criteria: Ambry Variant Classification Scheme 2023. Collection method: clinical testing. Allele origin: germline.

Labcorp Genetics (formerly Invitae), Labcorp
Classification: Uncertain significance. Last evaluated: 2022-09-27. Review status: criteria provided, single submitter. Criteria: Invitae Variant Classification Sherloc (09022015). Collection method: clinical testing. Allele origin: germline.
Comment: This sequence change replaces arginine, which is basic and polar, with tryptophan, which is neutral and slightly polar, at codon 387 of the NIN protein (p.Arg387Trp). The frequency data for this variant in the population databases is considered unreliable, as metrics indicate poor data quality at this position in the gnomAD database. This variant has not been reported in the literature in individuals affected with NIN-related conditions. Algorithms developed to predict the effect of missense changes on protein structure and function are either unavailable or do not agree on the potential impact of this missense change (SIFT: "Deleterious"; PolyPhen-2: "Probably Damaging"; Align-GVGD: "Class C0"). In summary, the available evidence is currently insufficient to determine the role of this variant in disease. Therefore, it has been classified as a Variant of Uncertain Significance.

NM_020921.4(NIN):c.1159C>T (p.Arg387Trp)

Gene: NIN (ninein; minus strand). Cytogenetic location: 14q22.1.
Variant type: single nucleotide variant.
Coding change: c.1159C>T on transcript NM_020921.4 (MANE Select); coding-DNA position 1159, C replaced by T.
Protein change: p.Arg387Trp; replaces arginine 387 with tryptophan.
Molecular consequence: missense variant.
Genome position (GRCh38, 1-based): chr14:50,770,952, G>A on the plus strand (C>T on the coding strand, the complement: NIN is on the minus strand). VCF-style: chr14-50770952-G-A. GRCh37 (hg19) VCF-style: chr14-51237670-G-A.
Other names: c.1159C>T, p.Arg387Trp (NM_016350.5, NM_182944.3, NM_182946.2); c.1159C>T (NM_020921.3); short protein forms R387W.
Identifiers: ClinVar variation 1924388 (VCV001924388.6), dbSNP rs753139439, ClinGen allele CA7182268.